The following is an entry in ClinVar:

ClinVar aggregate classification (germline): Uncertain significance. Review status: criteria provided, multiple submitters, no conflicts (2 of 4 stars). 2 submissions from 2 submitters: Uncertain significance (2). Last evaluated 2026-04-28.

Conditions:
Nephrotic syndrome 15. Identifiers: MedGen C4539896, MONDO:0033262, OMIM 617609.

gnomAD v4.1: 2 of 1,612,518 alleles (0.00012%); highest among the groups gnomAD compares: African/African-American, 0.0027%; no homozygotes.

Submissions (2):

Clinical Genomics Laboratory, Washington University in St. Louis
Classification: Uncertain significance for Nephrotic syndrome 15. Last evaluated: 2026-04-28. Review status: criteria provided, single submitter. Criteria: ACMG Guidelines, 2015. Collection method: clinical testing. Allele origin: germline.
Comment: A MAGI2 c.2680A>G (p.Thr894Ala) variant was identified in a heterozygous state. This variant, to our knowledge, has not been reported in the medical literature. It has been reported in the ClinVar database as a germline variant of uncertain significance by one submitter (Variation ID: 3594836). It is absent from the general population (gnomAD v2.1.1), indicating it is not a common variant. Computational predictors suggest that the variant does not impact MAGI2 function. Due to limited information, and based on ACMG/AMP guidelines for variant interpretation (Richards S et al., PMID: 25741868), the clinical significance of this variant is uncertain at this time.

Fulgent Genetics
Classification: Uncertain significance for Nephrotic syndrome 15. Last evaluated: 2024-06-11. Review status: criteria provided, single submitter. Criteria: ACMG Guidelines, 2015. Collection method: clinical testing. Allele origin: germline.

NM_012301.4(MAGI2):c.2680A>G (p.Thr894Ala)

Gene: MAGI2 (membrane associated guanylate kinase, WW and PDZ domain containing 2; minus strand). Cytogenetic location: 7q21.11.
Variant type: single nucleotide variant.
Coding change: c.2680A>G on transcript NM_012301.4 (MANE Select); coding-DNA position 2680, A replaced by G.
Protein change: p.Thr894Ala; replaces threonine 894 with alanine.
Molecular consequence: missense variant.
Genome position (GRCh38, 1-based): chr7:78,160,190, T>C on the plus strand (A>G on the coding strand, the complement: MAGI2 is on the minus strand). VCF-style: chr7-78160190-T-C. GRCh37 (hg19) VCF-style: chr7-77789507-T-C.
Other names: c.2638A>G, p.Thr880Ala (NM_001301128.2); short protein forms T894A, T880A.
Identifiers: ClinVar variation 3594836 (VCV003594836.2).